The following is an entry in ClinVar:

ClinVar aggregate classification (germline): Benign/Likely benign. Review status: criteria provided, multiple submitters, no conflicts (2 of 4 stars). 3 submissions from 3 submitters: Benign (1); Likely benign (2). Last evaluated 2025-10-21.

Allele frequency attached by ClinVar (database versions not stated): gnomAD exomes 0.00013 and 0.00027; gnomAD 0.00016; ExAC 0.00020; TOPMed 0.00022; ESP Exome Variant Server 0.00038.
gnomAD v4.1: 235 of 1,613,568 alleles (0.015%); highest among the groups gnomAD compares: Non-Finnish European, 0.0019%; 2 homozygotes.

Submissions (3):

Labcorp Genetics (formerly Invitae), Labcorp
Classification: Benign. Last evaluated: 2025-10-21. Review status: criteria provided, single submitter. Criteria: Invitae Variant Classification Sherloc (09022015). Collection method: clinical testing. Allele origin: germline.

Blueprint Genetics
Classification: Likely benign. Last evaluated: 2024-02-27. Review status: criteria provided, single submitter. Criteria: ACMG Guidelines, 2015. Collection method: clinical testing. Allele origin: germline.

CeGaT Center for Human Genetics Tuebingen
Classification: Likely benign. Last evaluated: 2022-09-01. Review status: criteria provided, single submitter. Criteria: CeGaT Center For Human Genetics Tuebingen Variant Classification Criteria Version 2. Collection method: clinical testing. Allele origin: germline. Affected: yes. Observed: 1 variant allele.
Comment: GUCY2C: BP4, BP7

NM_004963.4(GUCY2C):c.291T>C (p.Ser97=)

Genes: GUCY2C (guanylate cyclase 2C; minus strand), GUCY2C-AS1 (GUCY2C antisense RNA 1; plus strand). Cytogenetic location: 12p12.3.
Variant type: single nucleotide variant.
Coding change: c.291T>C on transcript NM_004963.4 (MANE Select); coding-DNA position 291, T replaced by C.
Protein change: p.Ser97=; no amino-acid change (serine 97 retained).
Molecular consequence: synonymous variant.
Genome position (GRCh38, 1-based): chr12:14,687,990, A>G on the plus strand (T>C on the coding strand, the complement: GUCY2C is on the minus strand). VCF-style: chr12-14687990-A-G. GRCh37 (hg19) VCF-style: chr12-14840924-A-G.
Identifiers: ClinVar variation 1651309 (VCV001651309.33), dbSNP rs140539667, ClinGen allele CA6463789.